The following is an entry in ClinVar:

NM_002691.4(POLD1):c.464G>C (p.Gly155Ala)

Gene: POLD1 (DNA polymerase delta 1, catalytic subunit; plus strand). Cytogenetic location: 19q13.33.
Variant type: single nucleotide variant.
Coding change: c.464G>C on transcript NM_002691.4 (MANE Select); coding-DNA position 464, G replaced by C.
Protein change: p.Gly155Ala; replaces glycine 155 with alanine.
Molecular consequence: missense variant. On other transcripts: non-coding transcript variant (1).
Genome position (GRCh38, 1-based): chr19:50,401,999, G>C. VCF-style: chr19-50401999-G-C. GRCh37 (hg19) VCF-style: chr19-50905256-G-C.
Other names: c.464G>C, p.Gly155Ala (NM_001256849.1, NM_001308632.1); c.464G>C (NM_002691.2); short protein forms G155A.
Identifiers: ClinVar variation 408068 (VCV000408068.27), dbSNP rs553279670, ClinGen allele CA9595752.

ClinVar aggregate classification (germline): Uncertain significance. Review status: criteria provided, multiple submitters, no conflicts (2 of 4 stars). 5 submissions from 5 submitters: Uncertain significance (5). Last evaluated 2025-05-01.

Conditions:
Hereditary cancer-predisposing syndrome. Also called: Neoplastic Syndromes, Hereditary; Hereditary neoplastic syndrome; Hereditary Cancer Syndrome; Tumor predisposition. Identifiers: Orphanet 140162, MedGen C0027672, MeSH D009386, MONDO:0015356.
POLD1-related polyposis and colorectal cancer syndrome (CRCS10). Also called: Colorectal cancer, susceptibility to, 10; Colorectal cancer 10; COLORECTAL CANCER, SUSCEPTIBILITY TO, ON CHROMOSOME 19q. Identifiers: Orphanet 220460, MedGen C2675481, MONDO:0012953, OMIM 612591.

Allele frequency attached by ClinVar (database versions not stated): gnomAD 0.00001; gnomAD exomes 0.00001; ExAC 0.00002; 1000 Genomes Project 0.00020; 1000 Genomes Project 30x 0.00047.
gnomAD v4.1: 9 of 1,614,092 alleles (0.00056%); highest among the groups gnomAD compares: South Asian, 0.0088%; no homozygotes.

Submissions (5):

Ambry Genetics
Classification: Uncertain significance for Hereditary cancer-predisposing syndrome. Last evaluated: 2025-05-01. Review status: criteria provided, single submitter. Criteria: Ambry Variant Classification Scheme 2023. Collection method: clinical testing. Allele origin: germline.
Comment: The p.G155A variant (also known as c.464G>C) is located in coding exon 4 of the POLD1 gene. The glycine at codon 155 is replaced by alanine, an amino acid with similar properties. This change occurs in the first base pair of coding exon 4. This amino acid position is conserved. In addition, this alteration is predicted to be tolerated by in silico analysis. Since supporting evidence is limited at this time, the clinical significance of this alteration remains unclear.

Center for Genomic Medicine, Rigshospitalet, Copenhagen University Hospital
Classification: Uncertain significance. Last evaluated: 2025-03-04. Review status: criteria provided, single submitter. Criteria: ACMG Guidelines, 2015. Collection method: clinical testing. Allele origin: germline.

Labcorp Genetics (formerly Invitae), Labcorp
Classification: Uncertain significance for POLD1-related polyposis and colorectal cancer syndrome. Last evaluated: 2025-01-31. Review status: criteria provided, single submitter. Criteria: Invitae Variant Classification Sherloc (09022015). Collection method: clinical testing. Allele origin: germline.
Comment: This sequence change replaces glycine, which is neutral and non-polar, with alanine, which is neutral and non-polar, at codon 155 of the POLD1 protein (p.Gly155Ala). This variant is present in population databases (rs553279670, gnomAD 0.01%). This variant has not been reported in the literature in individuals affected with POLD1-related conditions. ClinVar contains an entry for this variant (Variation ID: 408068). An algorithm developed to predict the effect of missense changes on protein structure and function (PolyPhen-2) suggests that this variant is likely to be disruptive. Algorithms developed to predict the effect of sequence changes on RNA splicing suggest that this variant may disrupt the consensus splice site. In summary, the available evidence is currently insufficient to determine the role of this variant in disease. Therefore, it has been classified as a Variant of Uncertain Significance.

GeneDx
Classification: Uncertain significance. Last evaluated: 2024-12-10. Review status: criteria provided, single submitter. Criteria: GeneDx Variant Classification Process June 2021. Collection method: clinical testing. Allele origin: germline. Affected: yes.
Comment: Not observed at significant frequency in large population cohorts (gnomAD); In silico analysis supports that this missense variant has a deleterious effect on protein structure/function; Has not been previously published as pathogenic or benign to our knowledge

Breakthrough Genomics
Classification: Uncertain significance. Review status: criteria provided, single submitter. Criteria: ACMG Guidelines, 2015. Collection method: not provided. Allele origin: germline. Inheritance: Autosomal dominant inheritance. Affected: yes.